The following is an entry in ClinVar:

NM_000329.3(RPE65):c.989G>A (p.Cys330Tyr)

Gene: RPE65 (retinoid isomerohydrolase RPE65; minus strand). Cytogenetic location: 1p31.3.
Variant type: single nucleotide variant.
Coding change: c.989G>A on transcript NM_000329.3 (MANE Select); coding-DNA position 989, G replaced by A.
Protein change: p.Cys330Tyr; replaces cysteine 330 with tyrosine.
Molecular consequence: missense variant.
Genome position (GRCh38, 1-based): chr1:68,438,951, C>T on the plus strand (G>A on the coding strand, the complement: RPE65 is on the minus strand). VCF-style: chr1-68438951-C-T. GRCh37 (hg19) VCF-style: chr1-68904634-C-T.
Other names: NM_000329.3(RPE65):c.989G>A; short protein forms C330Y.
Identifiers: ClinVar variation 98904 (VCV000098904.13), dbSNP rs61752908, ClinGen allele CA226599.

ClinVar aggregate classification (germline): Likely pathogenic. Review status: reviewed by expert panel (3 of 4 stars). 6 submissions from 6 submitters: Likely pathogenic (1). 5 of the submissions do not count toward it. Last evaluated 2025-06-30.

Conditions:
RPE65-related recessive retinopathy. Also called: Recessive RPE65 retinopathy. Identifiers: MedGen CN305526, MONDO:0100368.
Retinitis pigmentosa 20 (RP20). Identifiers: Orphanet 791, MedGen C3151086, MONDO:0013425, OMIM 613794.
Leber congenital amaurosis 2 (LCA2). Also called: Autosomal Recessive RPE65-Related Retinal Degeneration; AMAUROSIS CONGENITA OF LEBER II. Identifiers: Orphanet 65, MedGen C1859844, MONDO:0008765, OMIM 204100. Disease mechanism: loss of function.
Leber congenital amaurosis (LCA). Also called: Leber's amaurosis. Identifiers: Orphanet 65, MedGen C0339527, MeSH D057130, MONDO:0018998.
Retinal disorder. Also called: Retinal disorders; Retinopathy; Retinopathies; Retinal Diseases. Identifiers: MedGen C0035309, MONDO:0005283, HP:0000488.

Allele frequency attached by ClinVar (database versions not stated): gnomAD exomes below 0.00001; ExAC 0.00001.

Submissions (6):

ClinGen Leber Congenital Amaurosis/early Onset Retinal Dystrophy Variant Curation Expert Panel, ClinGen
Classification: Likely pathogenic for RPE65-related recessive retinopathy. Last evaluated: 2025-06-30. Review status: reviewed by expert panel. Criteria: ClinGen LCAeoRD ACMG Specifications RPE65 V1.0.0. Collection method: curation. Allele origin: germline. Inheritance: Autosomal recessive inheritance.
Comment: NM_000329.3(RPE65):c.989G>A (p.Cys330Tyr) is a missense variant resulting in a substitution of cysteine by tyrosine at codon 330. This variant is present in gnomAD v.4.1.0 at a GrpMax allele frequency of 0.00000072, with 3 alleles / 1179940 total alleles in the European (Non-Finnish) population, which is lower than the ClinGen LCA / eoRD VCEP PM2_Supporting threshold of <0.0002 (PM2_Supporting). This variant has been reported in at least 2 probands with early-onset severe retinal dystrophy who were homozygous for the variant (1 point, PMID: 15024725, PMID: 32032261). The variant has also been reported in a proband with early-onset severe retinal dystrophy who was compound heterozygous with the NM_000329.3(RPE65):c.843_858+7del variant suspected but not confirmed in trans, which was previously classified as pathogenic by the ClinGen LCA/eoRD VCEP (VCEP member-provided data, 0.5 pts), (1.5 total pts, PM3). At least one proband harboring this variant exhibits a phenotype including a diagnosis of Leber congenital amaurosis (0.5 pts), genotyping by next-generation sequencing panel with 176 retina-associated genes that did not provide an alternative explanation for visual impairment (2 pts), decreased central visual acuity (1 pt), and abnormal color vision (1 pt), which together are specific for RPE65-related recessive retinopathy (4.5 total pts, PMID: 29332120, PP4). The computational predictor REVEL gives a score of 0.747, which is above the ClinGen LCA / eoRD VCEP threshold of ≥0.644 and predicts a damaging effect on RPE65 function (PP3). The variant exhibited 0-2% enzymatic activity in a retinoid isomerase assay relative to the wild-type control, which is lower than the ClinGen LCA / eoRD VCEP PS3_Supporting threshold of <10% activity, indicating that it triggers a severe defect in protein function (PS3_Supporting, PMID: 16096063, PMID: 16150724, PMID: 24849605. In summary, this variant meets the criteria to be classified as likely pathogenic for RPE65-related recessive retinopathy based on the ACMG/AMP criteria applied, as specified by the ClinGen LCA/eoRD VCEP: PM2_Supporting, PP4, PP3, PS3_Supporting, PP1, and PM3. (VCEP specifications version 1.0.0; date of approval 09/21/2023).

Natera, Inc.
Classification: Likely pathogenic for Leber congenital amaurosis. Last evaluated: 2025-02-10. Review status: criteria provided, single submitter. Criteria: Natera Variant Classification Schema (03/2026). Collection method: clinical testing. Allele origin: germline. Not counted in ClinVar's aggregate classification.
Comment: The c.989G>A variant in RPE65 is a missense variant predicted to cause substitution of cysteine to tyrosine at amino acid 330. This variant is rare in the general population with a frequency below the threshold expected for the associated phenotype(s). This variant has been observed in one or more individuals affected with the associated recessive disease, as either homozygous or compound heterozygous with a second variant (PMID: 10090910, 12124981, 15024725). Additionally, this variant has been observed to segregate in affected family members (PMID: 10090910, 12124981). Functional studies show that this variant may disrupt protein function (PMID: 16096063, 16150724). Computational prediction algorithms indicate this variant is likely to affect gene or protein function. Given the available evidence, this variant is classified as Likely Pathogenic.

Labcorp Genetics (formerly Invitae), Labcorp
Classification: Pathogenic for Leber congenital amaurosis 2; Retinitis pigmentosa 20. Last evaluated: 2022-08-16. Review status: criteria provided, single submitter. Criteria: Invitae Variant Classification Sherloc (09022015). Collection method: clinical testing. Allele origin: germline. Not counted in ClinVar's aggregate classification.
Comment: For these reasons, this variant has been classified as Pathogenic. Experimental studies have shown that this missense change affects RPE65 function (PMID: 16096063, 16150724, 26427455). Advanced modeling of protein sequence and biophysical properties (such as structural, functional, and spatial information, amino acid conservation, physicochemical variation, residue mobility, and thermodynamic stability) performed at Invitae indicates that this missense variant is expected to disrupt RPE65 protein function. ClinVar contains an entry for this variant (Variation ID: 98904). This missense change has been observed in individuals with Leber congenital amaurosis (PMID: 10090910, 29332120). It has also been observed to segregate with disease in related individuals. This variant is present in population databases (rs61752908, gnomAD 0.0009%). This sequence change replaces cysteine, which is neutral and slightly polar, with tyrosine, which is neutral and polar, at codon 330 of the RPE65 protein (p.Cys330Tyr).

AURAGEN, Plan France Médecine Génomique
Classification: Pathogenic for Retinal disorder. Last evaluated: 2022-03-08. Review status: criteria provided, single submitter. Criteria: PFMG2025 (Lancet Reg Health Eur. 2025). Collection method: clinical testing. Allele origin: germline. Affected: yes. Not counted in ClinVar's aggregate classification.

Laboratory of Genetics in Ophthalmology, Institut Imagine
Classification: Likely pathogenic for Leber congenital amaurosis 2. Review status: no assertion criteria provided. Collection method: research. Allele origin: inherited. Affected: yes. Observed: 1 variant allele. Not counted in ClinVar's aggregate classification.

Retina International
No classification provided. Review status: no classification provided. Collection method: not provided. Allele origin: not provided. Not counted in ClinVar's aggregate classification.

Literature cited by the submitters: PubMed 10090910 (cited by 3 submitters); PubMed 12124981 (cited by Natera, Inc.); PubMed 15024725 (cited by Natera, Inc.); PubMed 16096063 (cited by Natera, Inc. and Labcorp Genetics (formerly Invitae), Labcorp); PubMed 16150724 (cited by Natera, Inc. and Labcorp Genetics (formerly Invitae), Labcorp); PubMed 26427455 (cited by Labcorp Genetics (formerly Invitae), Labcorp); PubMed 29332120 (cited by Labcorp Genetics (formerly Invitae), Labcorp).